The following is an entry in ClinVar:

ClinVar aggregate classification (germline): Benign. Review status: criteria provided, multiple submitters, no conflicts (2 of 4 stars). 3 submissions from 3 submitters: Benign (3). Last evaluated 2026-02-01.

Conditions:
SCYL1-related disorder. Also called: SCYL1-related condition.

Allele frequency attached by ClinVar (database versions not stated): 1000 Genomes Project 0.01817; 1000 Genomes Project 30x 0.01858; gnomAD 0.04077; TOPMed 0.04080; ESP Exome Variant Server 0.04254; ExAC 0.04555.
gnomAD v4.1: 83,574 of 1,594,822 alleles (5.2%); highest among the groups gnomAD compares: Non-Finnish European, 6.3%; 2,507 homozygotes.

Submissions (3):

Labcorp Genetics (formerly Invitae), Labcorp
Classification: Benign. Last evaluated: 2026-02-01. Review status: criteria provided, single submitter. Criteria: Invitae Variant Classification Sherloc (09022015). Collection method: clinical testing. Allele origin: germline.

PreventionGenetics, part of Exact Sciences
Classification: Benign for SCYL1-related condition. Last evaluated: 2025-02-28. Review status: criteria provided, single submitter. Criteria: ACMG Guidelines, 2015. Collection method: clinical testing. Allele origin: germline.
Comment: This variant is classified as benign based on ACMG/AMP sequence variant interpretation guidelines (Richards et al. 2015 PMID: 25741868, with internal and published modifications).

Mayo Clinic Laboratories, Mayo Clinic
Classification: Benign. Last evaluated: 2022-03-23. Review status: criteria provided, single submitter. Criteria: ACMG Guidelines, 2015. Collection method: clinical testing. Allele origin: germline. Observed: 60 variant alleles.

NM_020680.4(SCYL1):c.600G>A (p.Lys200=)

Gene: SCYL1 (SCY1 like pseudokinase 1; plus strand). Cytogenetic location: 11q13.1.
Variant type: single nucleotide variant.
Coding change: c.600G>A on transcript NM_020680.4 (MANE Select); coding-DNA position 600, G replaced by A.
Protein change: p.Lys200=; no amino-acid change (lysine 200 retained).
Molecular consequence: synonymous variant.
Genome position (GRCh38, 1-based): chr11:65,526,348, G>A. VCF-style: chr11-65526348-G-A. GRCh37 (hg19) VCF-style: chr11-65293819-G-A.
Other names: p.Lys200=; c.600G>A, p.Lys200= (NM_001048218.2, NM_001411022.1).
Identifiers: ClinVar variation 2037468 (VCV002037468.8), dbSNP rs75169347, ClinGen allele CA6099536.
Genomic context (GRCh38, chr11:65,526,348, plus strand): 5'-GCTTGAGCAGTATGACCCCCCGGAGTTGGCTGACAGCAGTGGCAGAGTGGTCAGAGAGAA[G>A]TGGTGGGTGACTGGGGGCAGCGCGCCCCAACCTGCCCTGTCCTGGAGGCCCCTGCAGCCT-3'
Protein context (NP_065731.3, residues 190-210): ADSSGRVVRE[Lys200=]WSADMWRLGC